The following is an entry in ClinVar:

NM_001009921.3(VPS8):c.2044A>G (p.Met682Val)

Gene: VPS8 (VPS8 subunit of CORVET complex; plus strand). Cytogenetic location: 3q27.2.
Variant type: single nucleotide variant.
Coding change: c.2044A>G on transcript NM_001009921.3 (MANE Select); coding-DNA position 2044, A replaced by G.
Protein change: p.Met682Val; replaces methionine 682 with valine.
Molecular consequence: missense variant. On other transcripts: non-coding transcript variant (1).
Genome position (GRCh38, 1-based): chr3:184,898,604, A>G. VCF-style: chr3-184898604-A-G. GRCh37 (hg19) VCF-style: chr3-184616392-A-G.
Other names: c.2044A>G, p.Met682Val (NM_001349292.2, NM_001349293.2, NM_001349294.2 and 1 more transcripts); c.2005A>G, p.Met669Val (NM_001349296.2); c.325A>G, p.Met109Val (NM_001349297.2); c.244A>G, p.Met82Val (NM_001349298.2); c.2038A>G, p.Met680Val (NM_015303.4); short protein forms M109V, M669V, M680V, M682V, M82V.
Identifiers: ClinVar variation 3052512 (VCV003052512.2), dbSNP rs560880756, ClinGen allele CA2737896.

ClinVar aggregate classification (germline): Likely benign (0 of 4 stars; one submission).

Conditions:
VPS8-related disorder. Also called: VPS8-related condition.

Allele frequency attached by ClinVar (database versions not stated): gnomAD exomes 0.00007; gnomAD 0.00008; ExAC 0.00013; TOPMed 0.00026.
gnomAD v4.1: 106 of 1,555,354 alleles (0.0068%); highest among the groups gnomAD compares: Admixed American, 0.19%; 1 homozygote.

Submission:

PreventionGenetics, part of Exact Sciences
Classification: Likely benign for VPS8-related condition. Last evaluated: 2022-05-23. Review status: no assertion criteria provided. Collection method: clinical testing. Allele origin: germline.
Comment: This variant is classified as likely benign based on ACMG/AMP sequence variant interpretation guidelines (Richards et al. 2015 PMID: 25741868, with internal and published modifications).